The following is an entry in ClinVar:

NM_000138.5(FBN1):c.5917+1_5917+11del

Gene: FBN1 (fibrillin 1; minus strand). Cytogenetic location: 15q21.1.
Variant type: Deletion.
Coding change: c.5917+1_5917+11del on transcript NM_000138.5 (MANE Select); the canonical splice donor site of the intron after coding-DNA position 5917 through 11 bases into the intron after coding-DNA position 5917, 11 bases deleted (GTAAGTACAGG).
Molecular consequence: splice donor variant.
Genome position (GRCh38, 1-based): chr15:48,445,365-48,445,375, CCTGTACTTAC deleted on the plus strand (GTAAGTACAGG on the coding strand, the reverse complement: FBN1 is on the minus strand); deleting any 11 consecutive bases within chr15:48,445,365-48,445,377 gives the same sequence; the c. name uses the placement nearest the transcript's 3' end. VCF-style (leftmost placement, unchanged base first): chr15-48445364-TCCTGTACTTAC-T. GRCh37 (hg19) VCF-style: chr15-48737561-TCCTGTACTTAC-T.
Other names: c.5916_5917+9del (LRG_778t1); c.5917+1_5917+11del (NM_001406716.1).
Identifiers: ClinVar variation 1325430 (VCV001325430.2), dbSNP rs2141249066, ClinGen allele CA2573150955.
Genomic context (GRCh38, chr15:48,445,364, plus strand): 5'-ACAGAGACTGCATGATTCCTTGAGTGGTCTCTGGAAGCATTCTTTCCAGGTCTTTCTAAG[TCCTGTACTTAC>T]CCACACAGGTCCTCCCATCTGGAGCCACCTCATAGCCTTCATTGCACTGGCACTGGAAAG-3'

ClinVar aggregate classification (germline): Likely pathogenic (1 of 4 stars; one submission).

Conditions:
Marfan syndrome (MFS). Also called: Marfan syndrome type 1; Marfan's syndrome; FBN1-Related Marfan Syndrome; MARFAN SYNDROME, TYPE I; Marfan syndrome, classic. Identifiers: Orphanet 284963, Orphanet 558, MedGen C0024796, MONDO:0007947, OMIM 154700.

Submission:

Centre of Medical Genetics, University of Antwerp
Classification: Likely pathogenic for Marfan syndrome. Last evaluated: 2021-03-01. Review status: criteria provided, single submitter. Criteria: Submitter's publication. Collection method: research. Allele origin: unknown. Affected: yes.
Comment: PM2, PS7, PP4